The following is an entry in ClinVar:

NM_080680.3(COL11A2):c.3852+6T>A

Gene: COL11A2 (collagen type XI alpha 2 chain; minus strand). Cytogenetic location: 6p21.32.
Variant type: single nucleotide variant.
Coding change: c.3852+6T>A on transcript NM_080680.3 (MANE Select); 6 bases into the intron after coding-DNA position 3852, T replaced by A.
Molecular consequence: intron variant.
Genome position (GRCh38, 1-based): chr6:33,168,949, A>T on the plus strand (T>A on the coding strand, the complement: COL11A2 is on the minus strand). VCF-style: chr6-33168949-A-T. GRCh37 (hg19) VCF-style: chr6-33136726-A-T.
Other names: c.2826+6T>A (NM_001424111.1, NM_001424110.1); c.3531+6T>A (NM_080679.3); c.3594+6T>A (NM_080681.3); c.3672+6T>A (NM_001424108.1); c.3006+6T>A (NM_001424109.1); c.1806+6T>A (NM_001424112.1).
Identifiers: ClinVar variation 3252609 (VCV003252609.1), dbSNP rs2534681735.
Genomic context (GRCh38, chr6:33,168,949, plus strand): 5'-ACACAGAGGACCCCCCCATAGAAGCCCCACCCTTTTTGCCCCTTCCCTTCTCTGAGTAAG[A>T]CTCACCCGAGGGCCACCTTCTCCAGGGGGGCCAGGGTCACCAGGAAAACCAACAGGACCC-3'

ClinVar aggregate classification (germline): Uncertain significance (1 of 4 stars; one submission).

Submission:

GeneDx
Classification: Uncertain significance. Last evaluated: 2024-01-05. Review status: criteria provided, single submitter. Criteria: GeneDx Variant Classification Process June 2021. Collection method: clinical testing. Allele origin: germline. Affected: yes.
Comment: Has not been previously published as pathogenic or benign to our knowledge; Not observed at significant frequency in large population cohorts (gnomAD); In silico analysis supports that this variant does not alter splicing